The following is an entry in ClinVar:

ClinVar aggregate classification (germline): Likely pathogenic (1 of 4 stars; one submission).

Allele frequency attached by ClinVar (database versions not stated): gnomAD exomes below 0.00001.
gnomAD v4.1: 2 of 1,613,638 alleles (0.00012%); highest among the groups gnomAD compares: Non-Finnish European, 0.000085%; no homozygotes.

Submission:

Labcorp Genetics (formerly Invitae), Labcorp
Classification: Likely pathogenic. Last evaluated: 2023-03-17. Review status: criteria provided, single submitter. Criteria: Invitae Variant Classification Sherloc (09022015). Collection method: clinical testing. Allele origin: germline.
Comment: This variant is not present in population databases (gnomAD no frequency). In summary, the currently available evidence indicates that the variant is pathogenic, but additional data are needed to prove that conclusively. Therefore, this variant has been classified as Likely Pathogenic. Algorithms developed to predict the effect of sequence changes on RNA splicing suggest that this variant may disrupt the consensus splice site. This variant has not been reported in the literature in individuals affected with TG-related conditions. This sequence change affects an acceptor splice site in intron 30 of the TG gene. It is expected to disrupt RNA splicing. Variants that disrupt the donor or acceptor splice site typically lead to a loss of protein function (PMID: 16199547), and loss-of-function variants in TG are known to be pathogenic (PMID: 19837936, 23164529).

Literature cited by the submitters: PubMed 16199547; PubMed 19837936; PubMed 23164529.

NM_003235.5(TG):c.5687-1G>A

Gene: TG (thyroglobulin; plus strand). Cytogenetic location: 8q24.22.
Variant type: single nucleotide variant.
Coding change: c.5687-1G>A on transcript NM_003235.5 (MANE Select); the canonical splice acceptor site of the intron before coding-DNA position 5687, G replaced by A.
Molecular consequence: splice acceptor variant.
Genome position (GRCh38, 1-based): chr8:132,967,793, G>A. VCF-style: chr8-132967793-G-A. GRCh37 (hg19) VCF-style: chr8-133980038-G-A.
Identifiers: ClinVar variation 2846597 (VCV002846597.3), dbSNP rs2491034194, ClinGen allele CA372233957.
Genomic context (GRCh38, chr8:132,967,793, plus strand): 5'-GAGATTATTCTCCCCTGTAGACCCCACAAAAACTAAAATCACACTACTCTCTTGCCTGTA[G>A]GTTGTGTGCAGGAGCACTCTTTCTGTCAGCTCGCAGAGATAACAGAGAGTGCATCCTTGT-3'